The following is an entry in ClinVar:

NM_005591.4(MRE11):c.175G>C (p.Gly59Arg)

Gene: MRE11 (MRE11 double strand break repair nuclease; minus strand). Cytogenetic location: 11q21.
Variant type: single nucleotide variant.
Coding change: c.175G>C on transcript NM_005591.4 (MANE Select); coding-DNA position 175, G replaced by C.
Protein change: p.Gly59Arg; replaces glycine 59 with arginine.
Molecular consequence: missense variant.
Genome position (GRCh38, 1-based): chr11:94,486,063, C>G on the plus strand (G>C on the coding strand, the complement: MRE11 is on the minus strand). VCF-style: chr11-94486063-C-G. GRCh37 (hg19) VCF-style: chr11-94219229-C-G.
Other names: c.175G>C, p.Gly59Arg (NM_001330347.2, NM_005590.4); short protein forms G59R.
Identifiers: ClinVar variation 2780921 (VCV002780921.3), dbSNP rs2496621380, ClinGen allele CA382379894.

ClinVar aggregate classification (germline): Uncertain significance (1 of 4 stars; one submission).

Conditions:
Ataxia-telangiectasia-like disorder (ATLD). Identifiers: MedGen C1858391, MONDO:0011457.

Allele frequency attached by ClinVar (database versions not stated): gnomAD exomes below 0.00001.
gnomAD v4.1: 1 of 1,613,584 alleles (0.000062%); highest among the groups gnomAD compares: Non-Finnish European, 0.000085%; no homozygotes.

Submission:

Labcorp Genetics (formerly Invitae), Labcorp
Classification: Uncertain significance for Ataxia-telangiectasia-like disorder. Last evaluated: 2023-06-22. Review status: criteria provided, single submitter. Criteria: Invitae Variant Classification Sherloc (09022015). Collection method: clinical testing. Allele origin: germline.
Comment: In summary, the available evidence is currently insufficient to determine the role of this variant in disease. Therefore, it has been classified as a Variant of Uncertain Significance. An algorithm developed to predict the effect of missense changes on protein structure and function (PolyPhen-2) suggests that this variant is likely to be disruptive. This variant has not been reported in the literature in individuals affected with MRE11-related conditions. This variant is not present in population databases (gnomAD no frequency). This sequence change replaces glycine, which is neutral and non-polar, with arginine, which is basic and polar, at codon 59 of the MRE11 protein (p.Gly59Arg).